The following is an entry in ClinVar:

ClinVar aggregate classification (germline): Uncertain significance (1 of 4 stars; one submission).

Allele frequency attached by ClinVar (database versions not stated): ExAC 0.00002.
gnomAD v4.1: 7 of 1,614,134 alleles (0.00043%); highest among the groups gnomAD compares: South Asian, 0.0022%; no homozygotes.

Submission:

GeneDx
Classification: Uncertain significance. Last evaluated: 2022-11-21. Review status: criteria provided, single submitter. Criteria: GeneDx Variant Classification Process June 2021. Collection method: clinical testing. Allele origin: germline. Affected: yes.
Comment: Nonsense variant predicted to result in protein truncation as the last 175 amino acids are lost; Has not been previously published as pathogenic or benign to our knowledge

NM_001346754.2(PIGW):c.988C>T (p.Arg330Ter)

Genes: MYO19 (myosin XIX; minus strand), PIGW (phosphatidylinositol glycan anchor biosynthesis class W; plus strand). Cytogenetic location: 17q12.
Variant type: single nucleotide variant.
Coding change: c.988C>T on transcript NM_001346754.2 (MANE Select); coding-DNA position 988, C replaced by T.
Protein change: p.Arg330Ter; replaces arginine 330 with a stop codon.
Molecular consequence: nonsense.
Genome position (GRCh38, 1-based): chr17:36,538,089, C>T. VCF-style: chr17-36538089-C-T. GRCh37 (hg19) VCF-style: chr17-34893938-C-T.
Other names: c.988C>T, p.Arg330Ter (NM_001346755.2, NM_178517.5); short protein forms R330*.
Identifiers: ClinVar variation 2502502 (VCV002502502.1), dbSNP rs777970606, ClinGen allele CA290116462.